The following is an entry in ClinVar:

ClinVar aggregate classification (germline): Uncertain significance (1 of 4 stars; one submission).

Conditions:
Gastrointestinal stromal tumor. Also called: Gastrointestinal stroma tumor; Gastrointestinal stromal tumor, somatic. Identifiers: Orphanet 44890, MedGen C0238198, MeSH D046152, MONDO:0011719, OMIM 606764, HP:0100723.

Submission:

Labcorp Genetics (formerly Invitae), Labcorp
Classification: Uncertain significance for Gastrointestinal stromal tumor. Last evaluated: 2021-01-28. Review status: criteria provided, single submitter. Criteria: Invitae Variant Classification Sherloc (09022015). Collection method: clinical testing. Allele origin: germline.
Comment: This variant is not present in population databases (ExAC no frequency) and has not been reported in the literature in individuals with a KIT-related disease. In summary, this variant is a novel missense change that is not predicted to affect protein function. There is no indication that it causes disease, but the available evidence is currently insufficient to prove that conclusively. Therefore, it has been classified as a Variant of Uncertain Significance. Algorithms developed to predict the effect of missense changes on protein structure and function (SIFT, PolyPhen-2, Align-GVGD) all suggest that this variant is likely to be tolerated, but these predictions have not been confirmed by published functional studies. This sequence change replaces serine with glycine at codon 104 of the KIT protein (p.Ser104Gly). The serine residue is moderately conserved and there is a small physicochemical difference between serine and glycine.

NM_000222.3(KIT):c.310A>G (p.Ser104Gly)

Gene: KIT (KIT proto-oncogene, receptor tyrosine kinase; plus strand). Cytogenetic location: 4q12.
Variant type: single nucleotide variant.
Coding change: c.310A>G on transcript NM_000222.3 (MANE Select); coding-DNA position 310, A replaced by G.
Protein change: p.Ser104Gly; replaces serine 104 with glycine.
Molecular consequence: missense variant.
Genome position (GRCh38, 1-based): chr4:54,695,754, A>G. VCF-style: chr4-54695754-A-G. GRCh37 (hg19) VCF-style: chr4-55561920-A-G.
Other names: c.310A>G, p.Ser104Gly (NM_001093772.2, NM_001385284.1, NM_001385285.1 and 4 more transcripts); short protein forms S104G.
Identifiers: ClinVar variation 409761 (VCV000409761.10), dbSNP rs1060502559, ClinGen allele CA16611485.
Genomic context (GRCh38, chr4:54,695,754, plus strand): 5'-ACGGAAAAGGCAGAAGCCACCAACACCGGCAAATACACGTGCACCAACAAACACGGCTTA[A>G]GCAATTCCATTTATGTGTTTGTTAGAGGTAAATGCTTGGCTTTCTGCAGTGCTGTGCTTT-3'
Protein context (NP_000213.1, residues 94-114): KYTCTNKHGL[Ser104Gly]NSIYVFVRDP